The following is an entry in ClinVar:

ClinVar aggregate classification (germline): Uncertain significance (1 of 4 stars; one submission).

Conditions:
Early Myoclonic Encephalopathy. Identifiers: MedGen C0270855.

Allele frequency attached by ClinVar (database versions not stated): ExAC 0.00001.

Submission:

Labcorp Genetics (formerly Invitae), Labcorp
Classification: Uncertain significance for Early Myoclonic Encephalopathy. Last evaluated: 2024-09-08. Review status: criteria provided, single submitter. Criteria: Invitae Variant Classification Sherloc (09022015). Collection method: clinical testing. Allele origin: germline.
Comment: This sequence change replaces glycine, which is neutral and non-polar, with alanine, which is neutral and non-polar, at codon 621 of the KCND2 protein (p.Gly621Ala). This variant is present in population databases (rs751780715, gnomAD 0.003%). This variant has not been reported in the literature in individuals affected with KCND2-related conditions. ClinVar contains an entry for this variant (Variation ID: 2141616). Invitae Evidence Modeling of protein sequence and biophysical properties (such as structural, functional, and spatial information, amino acid conservation, physicochemical variation, residue mobility, and thermodynamic stability) indicates that this missense variant is not expected to disrupt KCND2 protein function with a negative predictive value of 95%. In summary, the available evidence is currently insufficient to determine the role of this variant in disease. Therefore, it has been classified as a Variant of Uncertain Significance.

NM_012281.3(KCND2):c.1862G>C (p.Gly621Ala)

Gene: KCND2 (potassium voltage-gated channel subfamily D member 2; plus strand). Cytogenetic location: 7q31.31.
Variant type: single nucleotide variant.
Coding change: c.1862G>C on transcript NM_012281.3 (MANE Select); coding-DNA position 1862, G replaced by C.
Protein change: p.Gly621Ala; replaces glycine 621 with alanine.
Molecular consequence: missense variant.
Genome position (GRCh38, 1-based): chr7:120,747,827, G>C. VCF-style: chr7-120747827-G-C. GRCh37 (hg19) VCF-style: chr7-120387881-G-C.
Other names: short protein forms G621A.
Identifiers: ClinVar variation 2141616 (VCV002141616.4), dbSNP rs751780715, ClinGen allele CA4453764.
Genomic context (GRCh38, chr7:120,747,827, plus strand): 5'-CAACACCTCCAGTAACCACACCAGAAGGAGACGATAGGCCAGAATCCCCTGAGTACTCAG[G>C]AGGAAATATTGTCAGAGTTTCTGCTTTGTAAGACAATTGGAATAAGGTCTAAGAGAATTC-3'
Protein context (NP_036413.1, residues 611-630): DDRPESPEYS[Gly621Ala]GNIVRVSAL